The following is an entry in ClinVar:

ClinVar aggregate classification (germline): Uncertain significance (1 of 4 stars; one submission).

Allele frequency attached by ClinVar (database versions not stated): gnomAD exomes below 0.00001; ExAC 0.00001.
gnomAD v4.1: 7 of 1,614,170 alleles (0.00043%); highest among the groups gnomAD compares: Admixed American, 0.0017%; no homozygotes.

Submission:

Ambry Genetics
Classification: Uncertain significance. Last evaluated: 2023-10-05. Review status: criteria provided, single submitter. Criteria: Ambry Variant Classification Scheme 2023. Collection method: clinical testing. Allele origin: germline.
Comment: The p.C789Y variant (also known as c.2366G>A), located in coding exon 13 of the NPAT gene, results from a G to A substitution at nucleotide position 2366. The cysteine at codon 789 is replaced by tyrosine, an amino acid with highly dissimilar properties. This amino acid position is conserved. In addition, this alteration is predicted to be tolerated by in silico analysis. Since supporting evidence is limited at this time, the clinical significance of this alteration remains unclear.

NM_002519.3(NPAT):c.2366G>A (p.Cys789Tyr)

Gene: NPAT (nuclear protein, coactivator of histone transcription; minus strand). Cytogenetic location: 11q22.3.
Variant type: single nucleotide variant.
Coding change: c.2366G>A on transcript NM_002519.3 (MANE Select); coding-DNA position 2366, G replaced by A.
Protein change: p.Cys789Tyr; replaces cysteine 789 with tyrosine.
Molecular consequence: missense variant.
Genome position (GRCh38, 1-based): chr11:108,172,618, C>T on the plus strand (G>A on the coding strand, the complement: NPAT is on the minus strand). VCF-style: chr11-108172618-C-T. GRCh37 (hg19) VCF-style: chr11-108043345-C-T.
Other names: c.2366G>A, p.Cys789Tyr (NM_001321307.1); short protein forms C789Y.
Identifiers: ClinVar variation 1790219 (VCV001790219.2), dbSNP rs747394404, ClinGen allele CA6263829.